The following is an entry in ClinVar:

ClinVar aggregate classification (germline): Uncertain significance (1 of 4 stars; one submission).

Conditions:
Cardiovascular phenotype. Identifiers: MedGen CN230736.

Submission:

Ambry Genetics
Classification: Uncertain significance for Cardiovascular phenotype. Last evaluated: 2022-07-10. Review status: criteria provided, single submitter. Criteria: Ambry Variant Classification Scheme 2023. Collection method: clinical testing. Allele origin: germline.
Comment: The p.K7E variant (also known as c.19A>G), located in coding exon 1 of the MFAP5 gene, results from an A to G substitution at nucleotide position 19. The lysine at codon 7 is replaced by glutamic acid, an amino acid with similar properties. This amino acid position is conserved. In addition, the in silico prediction for this alteration is inconclusive. Since supporting evidence is limited at this time, the clinical significance of this alteration remains unclear.

NM_003480.4(MFAP5):c.19A>G (p.Lys7Glu)

Gene: MFAP5 (microfibril associated protein 5; minus strand). Cytogenetic location: 12p13.31.
Variant type: single nucleotide variant.
Coding change: c.19A>G on transcript NM_003480.4 (MANE Select); coding-DNA position 19, A replaced by G.
Protein change: p.Lys7Glu; replaces lysine 7 with glutamic acid.
Molecular consequence: missense variant. On other transcripts: non-coding transcript variant (2).
Genome position (GRCh38, 1-based): chr12:8,662,086, T>C on the plus strand (A>G on the coding strand, the complement: MFAP5 is on the minus strand). VCF-style: chr12-8662086-T-C. GRCh37 (hg19) VCF-style: chr12-8814682-T-C.
Other names: c.19A>G, p.Lys7Glu (NM_001297709.2, NM_001297710.2, NM_001297711.2 and 1 more transcripts); short protein forms K7E.
Identifiers: ClinVar variation 1784146 (VCV001784146.2), dbSNP rs759334210, ClinGen allele CA384039742.